The following is an entry in ClinVar:

ClinVar aggregate classification (germline): Uncertain significance (1 of 4 stars; one submission).

Conditions:
Progressive microcephaly-seizures-cortical blindness-developmental delay syndrome. Also called: Seizures, cortical blindness, and microcephaly syndrome. Identifiers: Orphanet 477814, MedGen C5567650, MONDO:0014714, OMIM 616632.
Autosomal dominant nonsyndromic hearing loss 1. Also called: KONIGSMARK SYNDROME; DEAFNESS, AUTOSOMAL DOMINANT 1, WITH OR WITHOUT THROMBOCYTOPENIA. Identifiers: Orphanet 90635, MedGen C1852282, MONDO:0007424, OMIM 124900.

Allele frequency attached by ClinVar (database versions not stated): gnomAD exomes below 0.00001.
gnomAD v4.1: 1 of 1,612,860 alleles (0.000062%); highest among the groups gnomAD compares: Non-Finnish European, 0.000085%; no homozygotes.

Submission:

Labcorp Genetics (formerly Invitae), Labcorp
Classification: Uncertain significance for Progressive microcephaly-seizures-cortical blindness-developmental delay syndrome; Autosomal dominant nonsyndromic hearing loss 1. Last evaluated: 2022-10-22. Review status: criteria provided, single submitter. Criteria: Invitae Variant Classification Sherloc (09022015). Collection method: clinical testing. Allele origin: germline.
Comment: In summary, the available evidence is currently insufficient to determine the role of this variant in disease. Therefore, it has been classified as a Variant of Uncertain Significance. Algorithms developed to predict the effect of missense changes on protein structure and function are either unavailable or do not agree on the potential impact of this missense change (SIFT: "Deleterious"; PolyPhen-2: "Not Available"; Align-GVGD: "Class C0"). This variant has not been reported in the literature in individuals affected with DIAPH1-related conditions. This variant is not present in population databases (gnomAD no frequency). This sequence change replaces methionine, which is neutral and non-polar, with threonine, which is neutral and polar, at codon 385 of the DIAPH1 protein (p.Met385Thr).

NM_005219.5(DIAPH1):c.1154T>C (p.Met385Thr)

Gene: DIAPH1 (diaphanous related formin 1; minus strand). Cytogenetic location: 5q31.3.
Variant type: single nucleotide variant.
Coding change: c.1154T>C on transcript NM_005219.5 (MANE Select); coding-DNA position 1154, T replaced by C.
Protein change: p.Met385Thr; replaces methionine 385 with threonine.
Molecular consequence: missense variant.
Genome position (GRCh38, 1-based): chr5:141,578,234, A>G on the plus strand (T>C on the coding strand, the complement: DIAPH1 is on the minus strand). VCF-style: chr5-141578234-A-G. GRCh37 (hg19) VCF-style: chr5-140957801-A-G.
Other names: c.1127T>C, p.Met376Thr (NM_001079812.3); c.1154T>C, p.Met385Thr (NM_001314007.2); short protein forms M376T, M385T.
Identifiers: ClinVar variation 1718316 (VCV001718316.6), dbSNP rs2513757525, ClinGen allele CA361530958.